The following is an entry in ClinVar:

ClinVar aggregate classification (germline): Benign (1 of 4 stars; one submission).

Conditions:
Sessile serrated polyposis cancer syndrome (SSPCS). Identifiers: Orphanet 157798, MedGen C4310714, MONDO:0014919, OMIM 617108.

Submission:

Myriad Genetics, Inc.
Classification: Benign for Sessile serrated polyposis cancer syndrome. Last evaluated: 2026-07-01. Review status: criteria provided, single submitter. Criteria: Myriad Autosomal Dominant, Autosomal Recessive and X-Linked Classification Criteria (2023). Collection method: clinical testing. Allele origin: unknown.
Comment: This variant is considered benign. This variant is a silent/synonymous amino acid change and it is not expected to impact splicing.

NM_017763.6(RNF43):c.1299G>A (p.Val433=)

Gene: RNF43 (ring finger protein 43; minus strand). Cytogenetic location: 17q22.
Variant type: single nucleotide variant.
Coding change: c.1299G>A on transcript NM_017763.6 (MANE Select); coding-DNA position 1299, G replaced by A.
Protein change: p.Val433=; no amino-acid change (valine 433 retained).
Molecular consequence: synonymous variant.
Genome position (GRCh38, 1-based): chr17:58,358,477, C>T on the plus strand (G>A on the coding strand, the complement: RNF43 is on the minus strand). VCF-style: chr17-58358477-C-T. GRCh37 (hg19) VCF-style: chr17-56435838-C-T.
Other names: c.1299G>A, p.Val433= (NM_001305544.3, NM_001438820.1, NM_001438821.1 and 1 more transcripts); c.918G>A, p.Val306= (NM_001305545.2, NM_001437987.1).
Identifiers: ClinVar variation 5042162 (VCV005042162.1).
Genomic context (GRCh38, chr17:58,358,477, plus strand): 5'-TTCTGTGCAATAGCTTTCTCCAGATCCACTGCTGTCAGGGGGCCTGGCCCGGCGTAGGGG[C>T]ACTGGGCAAGCAGCAGGGTGCTGTGAGGTGGATTGGAGGTGGCTCAGTCCCCAGCCTTGT-3'
Protein context (NP_060233.3, residues 423-443): STSQHPAACP[Val433=]PLRRARPPDS